The following is an entry in ClinVar:

NM_020975.6(RET):c.2137-11T>G

Gene: RET (ret proto-oncogene; plus strand). Cytogenetic location: 10q11.21.
Variant type: single nucleotide variant.
Coding change: c.2137-11T>G on transcript NM_020975.6 (MANE Select); 11 bases into the intron before coding-DNA position 2137, T replaced by G.
Molecular consequence: intron variant.
Genome position (GRCh38, 1-based): chr10:43,116,573, T>G. VCF-style: chr10-43116573-T-G. GRCh37 (hg19) VCF-style: chr10-43612021-T-G.
Other names: c.2137-11T>G (NM_020630.7, NM_001406743.1, NM_001406744.1 and 2 more transcripts); c.2002-11T>G (NM_001406765.1, NM_001406763.1); c.1741-11T>G (NM_001406772.1, NM_001406769.1); c.1699-11T>G (NM_001406773.1, NM_001406771.1); c.1240-11T>G (NM_001406782.1, NM_001406780.1, NM_001406779.1 and 1 more transcripts); c.1105-11T>G (NM_001406787.1); c.1120-11T>G (NM_001406785.1); c.2008-11T>G (NM_001406764.1, NM_001406762.1, NM_001406761.1); and 10 more.
Identifiers: ClinVar variation 1659108 (VCV001659108.11), dbSNP rs1247657169, ClinGen allele CA593290061.

ClinVar aggregate classification (germline): Likely benign. Review status: criteria provided, multiple submitters, no conflicts (2 of 4 stars). 3 submissions from 3 submitters: Likely benign (3). Last evaluated 2025-09-24.

Conditions:
Multiple endocrine neoplasia, type 2 (MEN2). Identifiers: Orphanet 653, MedGen C4048306, MONDO:0019003. Disease mechanism: gain of function.

Allele frequency attached by ClinVar (database versions not stated): gnomAD exomes below 0.00001.
gnomAD v4.1: 1 of 1,607,594 alleles (0.000062%); highest among the groups gnomAD compares: East Asian, 0.0023%; no homozygotes.

Submissions (3):

Labcorp Genetics (formerly Invitae), Labcorp
Classification: Likely benign for Multiple endocrine neoplasia, type 2. Last evaluated: 2025-09-24. Review status: criteria provided, single submitter. Criteria: Invitae Variant Classification Sherloc (09022015). Collection method: clinical testing. Allele origin: germline.

All of Us Research Program, National Institutes of Health
Classification: Likely benign for Multiple endocrine neoplasia, type 2. Last evaluated: 2023-05-16. Review status: criteria provided, single submitter. Criteria: ACMG Guidelines, 2015. Collection method: clinical testing. Allele origin: germline. Inheritance: Autosomal dominant inheritance. Observed: 2 variant alleles, 2 heterozygotes.
Comment: This study involves interpretation of variants in research participants for the purpose of population health screening. Participant phenotype was not available at the time of variant classification. Additional details can be found in publication PMID: 35346344, PMCID: PMC8962531

Color Diagnostics, LLC DBA Color Health
Classification: Likely benign for Multiple endocrine neoplasia, type 2. Last evaluated: 2023-01-18. Review status: criteria provided, single submitter. Criteria: ACMG Guidelines, 2015. Collection method: clinical testing. Allele origin: germline.